The following is an entry in ClinVar:

NM_001164508.2(NEB):c.21312+1G>A

Gene: NEB (nebulin; minus strand). Cytogenetic location: 2q23.3.
Variant type: single nucleotide variant.
Coding change: c.21312+1G>A on transcript NM_001164508.2 (MANE Select); the canonical splice donor site of the intron after coding-DNA position 21312, G replaced by A.
Molecular consequence: splice donor variant.
Genome position (GRCh38, 1-based): chr2:151,535,690, C>T on the plus strand (G>A on the coding strand, the complement: NEB is on the minus strand). VCF-style: chr2-151535690-C-T. GRCh37 (hg19) VCF-style: chr2-152392204-C-T.
Other names: c.16209+1G>A (NM_004543.5); c.21312+1G>A (NM_001164507.2, NM_001271208.2).
Identifiers: ClinVar variation 552869 (VCV000552869.9), dbSNP rs1553682994, ClinGen allele CA348772669.
Genomic context (GRCh38, chr2:151,535,690, plus strand): 5'-AACTCTGAGACTTCTTTAGGGAATTGAATAGGCTTAATTGGAGCAGTTTATTCATACATA[C>T]CTCATTCATCAATTGAGTTGCATACTTGAAATGCCTATTGATCGGAGAGTCGGCAACATA-3'

ClinVar aggregate classification (germline): Uncertain significance. Review status: criteria provided, single submitter (1 of 4 stars). 2 submissions from 2 submitters: Uncertain significance (1). 1 of the submissions does not count toward it. Last evaluated 2025-03-01.

Conditions:
Nemaline myopathy 2 (NEM2). Also called: Nemaline myopathy 2, autosomal recessive. Identifiers: MedGen C1850569, MONDO:0009725, OMIM 256030.

Submissions (2):

CeGaT Center for Human Genetics Tuebingen
Classification: Uncertain significance. Last evaluated: 2025-03-01. Review status: criteria provided, single submitter. Criteria: CeGaT Center For Human Genetics Tuebingen Variant Classification Criteria Version 2. Collection method: clinical testing. Allele origin: germline. Affected: yes. Observed: 1 variant allele.
Comment: NEB: PM2, PVS1:Moderate

Counsyl
Classification: Likely pathogenic for Nemaline myopathy 2. Last evaluated: 2017-07-20. Review status: no assertion criteria provided. Collection method: clinical testing. Allele origin: unknown. Not counted in ClinVar's aggregate classification.